The following is an entry in ClinVar:

NM_000443.4(ABCB4):c.267A>C (p.Ala89=)

Gene: ABCB4 (ATP binding cassette subfamily B member 4; minus strand). Cytogenetic location: 7q21.12.
Variant type: single nucleotide variant.
Coding change: c.267A>C on transcript NM_000443.4 (MANE Select); coding-DNA position 267, A replaced by C.
Protein change: p.Ala89=; no amino-acid change (alanine 89 retained).
Molecular consequence: synonymous variant.
Genome position (GRCh38, 1-based): chr7:87,462,777, T>G on the plus strand (A>C on the coding strand, the complement: ABCB4 is on the minus strand). VCF-style: chr7-87462777-T-G. GRCh37 (hg19) VCF-style: chr7-87092093-T-G.
Other names: c.267A>C, p.Ala89= (NM_018849.3, NM_018850.3).
Identifiers: ClinVar variation 4846407 (VCV004846407.1).

ClinVar aggregate classification (germline): Likely benign (1 of 4 stars; one submission).

Conditions:
Familial intrahepatic cholestasis. Identifiers: Orphanet 284385, MedGen CN296401, MONDO:0017290.
Low phospholipid associated cholelithiasis (GBD1). Also called: Gallbladder disease 1; Gallstone cholecystitis. Identifiers: Orphanet 69663, MedGen C2609268, MONDO:0010939, OMIM 600803.

gnomAD v4.1: 1 of 1,614,046 alleles (0.000062%); highest among the groups gnomAD compares: Non-Finnish European, 0.000085%; no homozygotes.

Submission:

Genomenon, Inc
Classification: Likely benign for Familial intrahepatic cholestasis; Low phospholipid associated cholelithiasis. Last evaluated: 2026-04-14. Review status: criteria provided, single submitter. Criteria: Genomenon Sequence Variant Interpretation Standards - Updated. Collection method: curation. Allele origin: germline. Affected: no.
Comment: ABCB4 c.267A>C is a synonymous variant that retains Alanine at residue 89. This variant has been reported in the published literature (PMID:30079523). It is absent or not present at a significant frequency in gnomAD. This synonymous variant is not predicted to impact splicing. In conclusion, we classify ABCB4 p.Ala89= (c.267A>C) as a likely benign variant.

Literature cited by the submitters: PubMed 30079523.